The following is an entry in ClinVar:

NM_001370466.1(NOD2):c.1346C>A (p.Thr449Asn)

Gene: NOD2 (nucleotide binding oligomerization domain containing 2; plus strand). Cytogenetic location: 16q12.1.
Variant type: single nucleotide variant.
Coding change: c.1346C>A on transcript NM_001370466.1 (MANE Select); coding-DNA position 1346, C replaced by A.
Protein change: p.Thr449Asn; replaces threonine 449 with asparagine.
Molecular consequence: missense variant. On other transcripts: non-coding transcript variant (1).
Genome position (GRCh38, 1-based): chr16:50,711,338, C>A. VCF-style: chr16-50711338-C-A. GRCh37 (hg19) VCF-style: chr16-50745249-C-A.
Other names: c.1346C>A, p.Thr449Asn (NM_001293557.2); c.1427C>A, p.Thr476Asn (NM_022162.3); short protein forms T476N, T449N.
Identifiers: ClinVar variation 574426 (VCV000574426.9), dbSNP rs1567392113, ClinGen allele CA395868899.

ClinVar aggregate classification (germline): Uncertain significance (1 of 4 stars; one submission).

Conditions:
Regional enteritis. Also called: Enteritis, Granulomatous. Identifiers: MedGen C0678202, MeSH D003424.
Blau syndrome (BLAUS). Also called: GRANULOMATOSIS, FAMILIAL JUVENILE SYSTEMIC; GRANULOMATOSIS, FAMILIAL, BLAU TYPE; GRANULOMATOUS INFLAMMATORY ARTHRITIS, DERMATITIS, AND UVEITIS, FAMILIAL; JABS SYNDROME; ARTHROCUTANEOUVEAL GRANULOMATOSIS. Identifiers: Orphanet 90340, MedGen C5201146, MONDO:0008523, OMIM 186580.

Allele frequency attached by ClinVar (database versions not stated): gnomAD exomes below 0.00001.
gnomAD v4.1: 2 of 1,613,712 alleles (0.00012%); highest among the groups gnomAD compares: African/African-American, 0.0013%; no homozygotes.

Submission:

Labcorp Genetics (formerly Invitae), Labcorp
Classification: Uncertain significance for Regional enteritis; Blau syndrome. Last evaluated: 2022-04-12. Review status: criteria provided, single submitter. Criteria: Invitae Variant Classification Sherloc (09022015). Collection method: clinical testing. Allele origin: germline.
Comment: This variant is not present in population databases (gnomAD no frequency). This sequence change replaces threonine, which is neutral and polar, with asparagine, which is neutral and polar, at codon 476 of the NOD2 protein (p.Thr476Asn). This variant has not been reported in the literature in individuals affected with NOD2-related conditions. ClinVar contains an entry for this variant (Variation ID: 574426). Advanced modeling of protein sequence and biophysical properties (such as structural, functional, and spatial information, amino acid conservation, physicochemical variation, residue mobility, and thermodynamic stability) performed at Invitae indicates that this missense variant is not expected to disrupt NOD2 protein function. In summary, the available evidence is currently insufficient to determine the role of this variant in disease. Therefore, it has been classified as a Variant of Uncertain Significance.